The following is an entry in ClinVar:

ClinVar aggregate classification (germline): Conflicting classifications of pathogenicity. Review status: criteria provided, conflicting classifications (1 of 4 stars). 2 submissions from 2 submitters: Uncertain significance (1); Likely benign (1). Last evaluated 2025-10-23.

Conditions:
Hereditary cancer-predisposing syndrome. Also called: Hereditary Cancer Syndrome; Hereditary neoplastic syndrome; Tumor predisposition; Neoplastic Syndromes, Hereditary. Identifiers: Orphanet 140162, MedGen C0027672, MeSH D009386, MONDO:0015356.

Allele frequency attached by ClinVar (database versions not stated): gnomAD below 0.00001 and 0.00001; gnomAD exomes below 0.00001; TOPMed below 0.00001; ExAC 0.00001.
gnomAD v4.1: 3 of 1,607,684 alleles (0.00019%); highest among the groups gnomAD compares: East Asian, 0.0022%; no homozygotes.

Submissions (2):

Labcorp Genetics (formerly Invitae), Labcorp
Classification: Uncertain significance. Last evaluated: 2025-10-23. Review status: criteria provided, single submitter. Criteria: Invitae Variant Classification Sherloc (09022015). Collection method: clinical testing. Allele origin: germline.
Comment: This sequence change replaces aspartic acid, which is acidic and polar, with asparagine, which is neutral and polar, at codon 1747 of the POLE protein (p.Asp1747Asn). The frequency data for this variant in the population databases is considered unreliable, as metrics indicate poor data quality at this position in the gnomAD database. This variant has not been reported in the literature in individuals affected with POLE-related conditions. ClinVar contains an entry for this variant (Variation ID: 840937). Invitae Evidence Modeling of protein sequence and biophysical properties (such as structural, functional, and spatial information, amino acid conservation, physicochemical variation, residue mobility, and thermodynamic stability) indicates that this missense variant is not expected to disrupt POLE protein function with a negative predictive value of 80%. In summary, the available evidence is currently insufficient to determine the role of this variant in disease. Therefore, it has been classified as a Variant of Uncertain Significance.

Ambry Genetics
Classification: Likely benign for Hereditary cancer-predisposing syndrome. Last evaluated: 2025-08-13. Review status: criteria provided, single submitter. Criteria: Ambry Variant Classification Scheme 2023. Collection method: clinical testing. Allele origin: germline.

NM_006231.4(POLE):c.5239G>A (p.Asp1747Asn)

Gene: POLE (DNA polymerase epsilon, catalytic subunit; minus strand). Cytogenetic location: 12q24.33.
Variant type: single nucleotide variant.
Coding change: c.5239G>A on transcript NM_006231.4 (MANE Select); coding-DNA position 5239, G replaced by A.
Protein change: p.Asp1747Asn; replaces aspartic acid 1747 with asparagine.
Molecular consequence: missense variant.
Genome position (GRCh38, 1-based): chr12:132,641,786, C>T on the plus strand (G>A on the coding strand, the complement: POLE is on the minus strand). VCF-style: chr12-132641786-C-T. GRCh37 (hg19) VCF-style: chr12-133218372-C-T.
Other names: c.5239G>A (NM_006231.2); short protein forms D1747N.
Identifiers: ClinVar variation 840937 (VCV000840937.8), dbSNP rs753105796, ClinGen allele CA6892586.
Genomic context (GRCh38, chr12:132,641,786, plus strand): 5'-CCAGGGAGGCCTGCTGGATCACGTCGAAGCTGATCCCCATGCTGTCGGCCCCCTCCATGT[C>T]GTTGACATGGTGAGACTGGAGAATGGTGTTGACGGCCAGGTTCTGAAGGTCCAGCTCCAC-3'
Protein context (NP_006222.2, residues 1737-1757): NTILQSHHVN[Asp1747Asn]MEGADSMGIS